The following is an entry in ClinVar:

ClinVar aggregate classification (germline): Uncertain significance. Review status: criteria provided, multiple submitters, no conflicts (2 of 4 stars). 2 submissions from 2 submitters: Uncertain significance (2). Last evaluated 2024-05-20.

Conditions:
Retinoblastoma (RB1). Also called: RETINOBLASTOMA, SOMATIC. Identifiers: Orphanet 790, MedGen C0035335, MeSH D012175, MONDO:0008380, OMIM 180200, HP:0009919. Disease mechanism: loss of function. Inheritance: Both sporadic and heritable forms are tested..

Allele frequency attached by ClinVar (database versions not stated): gnomAD exomes below 0.00001.
gnomAD v4.1: 2 of 1,613,686 alleles (0.00012%); highest among the groups gnomAD compares: Non-Finnish European, 0.00017%; no homozygotes.

Submissions (2):

Genetic Diagnostic Laboratory, University of Pennsylvania School of Medicine
Classification: Uncertain significance for Retinoblastoma. Last evaluated: 2024-05-20. Review status: criteria provided, single submitter. Criteria: ACMG Guidelines, 2015. Collection method: clinical testing. Allele origin: germline. Affected: yes. Observed: 1 variant allele.
Comment: Case and Pedigree Information: BILATERAL CASES:0, UNILATERAL CASES:1, TOTAL CASES:1, PEDIGREES:1. ACMG Codes Applied:PM1, PM2

Labcorp Genetics (formerly Invitae), Labcorp
Classification: Uncertain significance for Retinoblastoma. Last evaluated: 2023-12-01. Review status: criteria provided, single submitter. Criteria: Invitae Variant Classification Sherloc (09022015). Collection method: clinical testing. Allele origin: germline.
Comment: This sequence change replaces isoleucine, which is neutral and non-polar, with threonine, which is neutral and polar, at codon 441 of the RB1 protein (p.Ile441Thr). This variant is not present in population databases (gnomAD no frequency). This missense change has been observed in individual(s) with retinoblastoma (PMID: 32218800, 33493472). Advanced modeling of protein sequence and biophysical properties (such as structural, functional, and spatial information, amino acid conservation, physicochemical variation, residue mobility, and thermodynamic stability) performed at Invitae indicates that this missense variant is not expected to disrupt RB1 protein function with a negative predictive value of 80%. In summary, the available evidence is currently insufficient to determine the role of this variant in disease. Therefore, it has been classified as a Variant of Uncertain Significance.

Literature cited by the submitters: PubMed 32218800 (cited by Labcorp Genetics (formerly Invitae), Labcorp); PubMed 33493472 (cited by Labcorp Genetics (formerly Invitae), Labcorp).

NM_000321.3(RB1):c.1322T>C (p.Ile441Thr)

Gene: RB1 (RB transcriptional corepressor 1; plus strand). Cytogenetic location: 13q14.2.
Variant type: single nucleotide variant.
Coding change: c.1322T>C on transcript NM_000321.3 (MANE Select); coding-DNA position 1322, T replaced by C.
Protein change: p.Ile441Thr; replaces isoleucine 441 with threonine.
Molecular consequence: missense variant.
Genome position (GRCh38, 1-based): chr13:48,377,024, T>C. VCF-style: chr13-48377024-T-C. GRCh37 (hg19) VCF-style: chr13-48951160-T-C.
Other names: c.1322T>C, p.Ile441Thr (NM_001407165.1, NM_001407166.1); short protein forms I441T.
Identifiers: ClinVar variation 2972700 (VCV002972700.4), dbSNP rs2138136766, ClinGen allele CA388162174.